The following is an entry in ClinVar:

ClinVar aggregate classification (germline): Pathogenic/Likely pathogenic. Review status: criteria provided, multiple submitters, no conflicts (2 of 4 stars). 9 submissions from 9 submitters: Pathogenic (7); Likely pathogenic (1). 1 of the submissions does not count toward it. Last evaluated 2026-01-19.

Conditions:
Progressive external ophthalmoplegia with mitochondrial DNA deletions, autosomal recessive 2 (PEOB2). Also called: PROGRESSIVE EXTERNAL OPHTHALMOPLEGIA, AUTOSOMAL RECESSIVE 2. Identifiers: Orphanet 329336, MedGen C4225312, MONDO:0014656, OMIM 616479.
Possible mitochondrial disorder - nuclear genes.
Inborn genetic diseases. Identifiers: MedGen C0950123, MeSH D030342.

Allele frequency attached by ClinVar (database versions not stated): TOPMed below 0.00001; gnomAD 0.00001; gnomAD exomes 0.00002 and 0.00004; ExAC 0.00005.

Submissions (9):

Labcorp Genetics (formerly Invitae), Labcorp
Classification: Pathogenic. Last evaluated: 2026-01-19. Review status: criteria provided, single submitter. Criteria: Invitae Variant Classification Sherloc (09022015). Collection method: clinical testing. Allele origin: germline.
Comment: This sequence change replaces valine, which is neutral and non-polar, with isoleucine, which is neutral and non-polar, at codon 142 of the RNASEH1 protein (p.Val142Ile). This variant is present in population databases (rs766294940, gnomAD 0.02%). This missense change has been observed in individuals with chronic progressive external ophthalmoplegia with mitochondrial DNA deletions (PMID: 26094573, 28508084). It has also been observed to segregate with disease in related individuals. ClinVar contains an entry for this variant (Variation ID: 372197). Invitae Evidence Modeling of protein sequence and biophysical properties (such as structural, functional, and spatial information, amino acid conservation, physicochemical variation, residue mobility, and thermodynamic stability) indicates that this missense variant is not expected to disrupt RNASEH1 protein function with a negative predictive value of 80%. For these reasons, this variant has been classified as Pathogenic.

Genetics Laboratory, Great Ormond Street Hospital NHS Foundation Trust, North Thames Genomic Laboratory Hub
Classification: Pathogenic for Possible mitochondrial disorder - nuclear genes. Last evaluated: 2025-12-16. Review status: criteria provided, single submitter. Criteria: ACGS Best Practice Guidelines for Variant Classification in Rare Disease 2024 v1.2. Collection method: clinical testing. Allele origin: germline. Affected: yes.
Comment: PM2_supporting, PS3_moderate, PP1_strong, PM3_strong, PP4_moderate

First Genomix Gene Laboratory, Genetic Diagnostics Department
Classification: Pathogenic for Progressive external ophthalmoplegia with mitochondrial DNA deletions, autosomal recessive 2. Last evaluated: 2025-03-20. Review status: criteria provided, single submitter. Criteria: ACMG Guidelines, 2015. Collection method: clinical testing. Allele origin: germline. Inheritance: Autosomal recessive inheritance. Affected: no. Observed: 1 variant allele.

Ambry Genetics
Classification: Pathogenic for Inborn genetic diseases. Last evaluated: 2025-01-22. Review status: criteria provided, single submitter. Criteria: Ambry Variant Classification Scheme 2023. Collection method: clinical testing. Allele origin: germline.
Comment: The c.424G>A (p.V142I) alteration is located in exon 4 (coding exon 4) of the RNASEH1 gene. This alteration results from a G to A substitution at nucleotide position 424, causing the valine (V) at amino acid position 142 to be replaced by an isoleucine (I). Based on data from gnomAD, the A allele has an overall frequency of 0.004% (12/282790) total alleles studied. The highest observed frequency was 0.02% (7/35436) of Admixed American alleles. This variant has been identified in the homozygous state and/or in conjunction with other RNASEH1 variant(s) in individual(s) with features consistent with RNASEH1-related progressive external ophthalmoplegia with mitochondrial DNA deletions; in at least one instance, the variants were identified in trans (Reyes, 2015; Bugiardini, 2017; Sachdev, 2018; Manini, 2022). This amino acid position is highly conserved in available vertebrate species. In an assay testing RNASEH1 function, this variant showed a functionally abnormal result (Reyes, 2015). This alteration is predicted to be tolerated by in silico analysis. Based on the available evidence, this alteration is classified as pathogenic.

GeneDx
Classification: Pathogenic. Last evaluated: 2024-02-27. Review status: criteria provided, single submitter. Criteria: GeneDx Variant Classification Process June 2021. Collection method: clinical testing. Allele origin: germline. Affected: yes.
Comment: Published functional studies demonstrate that the V142I variant damages the mitochondria and significantly impairs the function of RNASEH1 with approximately 60% decreased activity compared to wild-type (PMID: 26094573, 27402764); This variant is associated with the following publications: (PMID: 31178343, 26094573, 28508084, 26968897, 27402764, 30340744, 31271879, 33726816, 35711919)

Centre for Inherited Metabolic Diseases, Karolinska University Hospital
Classification: Likely pathogenic for Progressive external ophthalmoplegia with mitochondrial DNA deletions, autosomal recessive 2. Last evaluated: 2021-04-12. Review status: criteria provided, single submitter. Criteria: ACMG Guidelines, 2015. Collection method: clinical testing. Allele origin: germline. Inheritance: Autosomal recessive inheritance. Affected: yes. Observed: 1 homozygote.

Juno Genomics, Hangzhou Juno Genomics, Inc
Classification: Pathogenic for Progressive external ophthalmoplegia with mitochondrial DNA deletions, autosomal recessive 2. Review status: criteria provided, single submitter. Criteria: ACMG Guidelines, 2015. Collection method: clinical testing. Allele origin: germline.
Comment: Absent from controls (or at extremely low frequency if recessive) in Genome Aggregation Database.;For recessive disorders, detected in trans with a pathogenic variant.;Patient's phenotype or family history is highly specific for a disease with a single genetic etiology.;Co-segregation with disease in multiple affected family members.;Well-established in vitro or in vivo functional studies supportive of a damaging effect on the gene or gene product.

Neuberg Centre For Genomic Medicine, NCGM
Classification: Pathogenic for Progressive external ophthalmoplegia with mitochondrial DNA deletions, autosomal recessive 2. Review status: criteria provided, single submitter. Criteria: ACMG Guidelines, 2015. Collection method: clinical testing. Allele origin: germline. Inheritance: Autosomal recessive inheritance. Affected: yes.
Comment: The missense variant p.V142I in RNASEH1 (NM_002936.6) has been previously reported in affected indviduals. Functional studies reveal a damaging effect (Reyes et al,2016). The variant has been submitted to ClinVar as Pathogenic. The p.V142I variant is observed in 6/34,588 (0.0173%) alleles from individuals of Latino background in gnomAD Exomes and is novel (not in any individuals) in 1000 Genomes. The p.V142I missense variant is predicted to be damaging by both SIFT and PolyPhen2. The valine residue at codon 142 of RNASEH1 is conserved in all mammalian species. The nucleotide c.424 in RNASEH1 is predicted conserved by GERP++ and PhyloP across 100 vertebrates. For these reasons, this variant has been classified as Pathogenic.

OMIM
Classification: Pathogenic for PROGRESSIVE EXTERNAL OPHTHALMOPLEGIA WITH MITOCHONDRIAL DNA DELETIONS, AUTOSOMAL RECESSIVE 2. Last evaluated: 2015-07-29. Review status: no assertion criteria provided. Collection method: literature only. Allele origin: germline. Not counted in ClinVar's aggregate classification.

Literature cited by the submitters: PubMed 26094573 (cited by 3 submitters); PubMed 28508084 (cited by Labcorp Genetics (formerly Invitae), Labcorp and Ambry Genetics); PubMed 30340744 (cited by Ambry Genetics); PubMed 35711919 (cited by Ambry Genetics).

NM_002936.6(RNASEH1):c.424G>A (p.Val142Ile)

Gene: RNASEH1 (ribonuclease H1; minus strand). Cytogenetic location: 2p25.3.
Variant type: single nucleotide variant.
Coding change: c.424G>A on transcript NM_002936.6 (MANE Select); coding-DNA position 424, G replaced by A.
Protein change: p.Val142Ile; replaces valine 142 with isoleucine.
Molecular consequence: missense variant. On other transcripts: non-coding transcript variant (7).
Genome position (GRCh38, 1-based): chr2:3,550,458, C>T on the plus strand (G>A on the coding strand, the complement: RNASEH1 is on the minus strand). VCF-style: chr2-3550458-C-T. GRCh37 (hg19) VCF-style: chr2-3598048-C-T.
Other names: c.424G>A (NM_002936.3); c.346G>A, p.Val116Ile (NM_001286834.3); c.73G>A, p.Val25Ile (NM_001286837.3); c.424G>A, p.Val142Ile (NM_001378271.1, NM_001378273.1); c.421G>A, p.Val141Ile (NM_001378272.1); short protein forms V142I, V25I, V116I, V141I.
Identifiers: ClinVar variation 372197 (VCV000372197.18), dbSNP rs766294940, ClinGen allele CA1516262.